The following is an entry in ClinVar:

ClinVar aggregate classification (germline): Uncertain significance (1 of 4 stars; one submission).

Conditions:
Cardiovascular phenotype. Identifiers: MedGen CN230736.

Submission:

Ambry Genetics
Classification: Uncertain significance for Cardiovascular phenotype. Last evaluated: 2026-04-09. Review status: criteria provided, single submitter. Criteria: Ambry Variant Classification Scheme 2023. Collection method: clinical testing. Allele origin: germline.
Comment: The c.-7_-1delCGGCCCCinsT variant is located in in the 5' untranslated region (5&rsquo;UTR) of the FKRP gene. This variant results from a deletion of CGGCCCC and insertion of T at nucleotide positions c.-1 to c.-7, upstream from the first translated codon. This nucleotide region ranges from highly conserved to not well conserved in available vertebrate species. Based on the available evidence, the clinical significance of this variant remains unclear.

NM_024301.5(FKRP):c.-7_-1delinsT

Gene: FKRP (fukutin related protein; plus strand). Cytogenetic location: 19q13.32.
Variant type: Indel.
Coding change: c.-7_-1delinsT on transcript NM_024301.5 (MANE Select); 7 bases upstream of the start codon through 1 bases upstream of the start codon, CGGCCCC replaced by T.
Molecular consequence: 5 prime UTR variant.
Genome position (GRCh38, 1-based): chr19:46,755,444-46,755,450, CGGCCCC replaced by T. VCF-style: chr19-46755444-CGGCCCC-T. GRCh37 (hg19) VCF-style: chr19-47258701-CGGCCCC-T.
Other names: c.-7_-1delinsT (NM_001039885.3).
Identifiers: ClinVar variation 4871348 (VCV004871348.1).